The following is an entry in ClinVar:

ClinVar aggregate classification (germline): Likely benign (1 of 4 stars; one submission).

Allele frequency attached by ClinVar (database versions not stated): gnomAD exomes 0.00023; ESP Exome Variant Server 0.00077; 1000 Genomes Project 0.00100; 1000 Genomes Project 30x 0.00156.
gnomAD v4.1: 408 of 1,602,862 alleles (0.025%); highest among the groups gnomAD compares: African/African-American, 0.18%; no homozygotes.

Submission:

CeGaT Center for Human Genetics Tuebingen
Classification: Likely benign. Last evaluated: 2023-02-01. Review status: criteria provided, single submitter. Criteria: CeGaT Center For Human Genetics Tuebingen Variant Classification Criteria Version 2. Collection method: clinical testing. Allele origin: germline. Affected: yes. Observed: 1 variant allele.
Comment: ZNF417: BP4, BP7

NM_152475.3(ZNF417):c.1278C>T (p.His426=)

Gene: ZNF417 (zinc finger protein 417; minus strand). Cytogenetic location: 19q13.43.
Variant type: single nucleotide variant.
Coding change: c.1278C>T on transcript NM_152475.3 (MANE Select); coding-DNA position 1278, C replaced by T.
Protein change: p.His426=; no amino-acid change (histidine 426 retained).
Molecular consequence: synonymous variant.
Genome position (GRCh38, 1-based): chr19:57,909,000, G>A on the plus strand (C>T on the coding strand, the complement: ZNF417 is on the minus strand). VCF-style: chr19-57909000-G-A. GRCh37 (hg19) VCF-style: chr19-58420368-G-A.
Other names: c.1275C>T, p.His425= (NM_001297734.2).
Identifiers: ClinVar variation 2650579 (VCV002650579.24), dbSNP rs140273527, ClinGen allele CA9707862.
Genomic context (GRCh38, chr19:57,909,000, plus strand): 5'-GTTAAATAATTTCCCACATTCCCTACAATTGTAAGGTCTTTCCCCAGTGTGAAGTCTCTG[G>A]TGTTCAGTGAGGTGGGATCTGTACCTAAATGATTTCCCACATTCCTTGCACTCATAGGGC-3'
Protein context (NP_689688.2, residues 416-436): SFRYRSHLTE[His426=]QRLHTGERPY